The following is an entry in ClinVar:

NM_001605.3(AARS1):c.1468C>T (p.His490Tyr)

Gene: AARS1 (alanyl-tRNA synthetase 1; minus strand). Cytogenetic location: 16q22.1.
Variant type: single nucleotide variant.
Coding change: c.1468C>T on transcript NM_001605.3 (MANE Select); coding-DNA position 1468, C replaced by T.
Protein change: p.His490Tyr; replaces histidine 490 with tyrosine.
Molecular consequence: missense variant.
Genome position (GRCh38, 1-based): chr16:70,264,982, G>A on the plus strand (C>T on the coding strand, the complement: AARS1 is on the minus strand). VCF-style: chr16-70264982-G-A. GRCh37 (hg19) VCF-style: chr16-70298885-G-A.
Other names: short protein forms H490Y.
Identifiers: ClinVar variation 1994007 (VCV001994007.4), dbSNP rs2507008144, ClinGen allele CA396561151.

ClinVar aggregate classification (germline): Uncertain significance (1 of 4 stars; one submission).

Conditions:
Charcot-Marie-Tooth disease type 2. Also called: Charcot-Marie-Tooth type 2. Identifiers: Orphanet 64746, MedGen C0270914, MONDO:0018993.

Submission:

Labcorp Genetics (formerly Invitae), Labcorp
Classification: Uncertain significance for Charcot-Marie-Tooth disease type 2. Last evaluated: 2022-05-13. Review status: criteria provided, single submitter. Criteria: Invitae Variant Classification Sherloc (09022015). Collection method: clinical testing. Allele origin: germline.
Comment: This variant is not present in population databases (gnomAD no frequency). In summary, the available evidence is currently insufficient to determine the role of this variant in disease. Therefore, it has been classified as a Variant of Uncertain Significance. Algorithms developed to predict the effect of missense changes on protein structure and function output the following: SIFT: "Tolerated"; PolyPhen-2: "Benign"; Align-GVGD: "Class C0". The tyrosine amino acid residue is found in multiple mammalian species, which suggests that this missense change does not adversely affect protein function. This variant has not been reported in the literature in individuals affected with AARS-related conditions. This sequence change replaces histidine, which is basic and polar, with tyrosine, which is neutral and polar, at codon 490 of the AARS protein (p.His490Tyr).